The following is an entry in ClinVar:

NM_000257.4(MYH7):c.789A>G (p.Ile263Met)

Gene: MYH7 (myosin heavy chain 7; minus strand). Cytogenetic location: 14q11.2.
Variant type: single nucleotide variant.
Coding change: c.789A>G on transcript NM_000257.4 (MANE Select); coding-DNA position 789, A replaced by G.
Protein change: p.Ile263Met; replaces isoleucine 263 with methionine.
Molecular consequence: missense variant.
Genome position (GRCh38, 1-based): chr14:23,431,425, T>C on the plus strand (A>G on the coding strand, the complement: MYH7 is on the minus strand). VCF-style: chr14-23431425-T-C. GRCh37 (hg19) VCF-style: chr14-23900634-T-C.
Other names: c.789A>G (LRG_384t1); short protein forms I263M.
Identifiers: ClinVar variation 181326 (VCV000181326.12), dbSNP rs730880855, ClinGen allele CA016828.
Genomic context (GRCh38, chr14:23,431,425, plus strand): 5'-GGTCTAGAGCAAGGGTGAGCTTAGGCTGAGCCTAGCAGATTCATGGCACTCACAGGTCTC[T>C]ATGTCTGCAGATGCCAACTTTCCTGTTGCCCCAAAATGAATTCGAATGAATTTCCCCTGG-3'
Protein context (NP_000248.2, residues 253-273): GATGKLASAD[Ile263Met]ETYLLEKSRV

ClinVar aggregate classification (germline): Conflicting classifications of pathogenicity. Review status: criteria provided, conflicting classifications (1 of 4 stars). 3 submissions from 3 submitters: Likely pathogenic (1); Uncertain significance (2). Last evaluated 2025-08-21.

Conditions:
Cardiomyopathy (CMYO). Also called: Cardiomyopathies. Identifiers: Orphanet 167848, MedGen C0878544, MONDO:0004994, HP:0001638. Inheritance: Various modes of inheritance.
Hypertrophic cardiomyopathy. Also called: HYPERTROPHIC MYOCARDIOPATHY. Identifiers: Orphanet 217569, MedGen C0007194, MeSH D002312, MONDO:0005045, HP:0001639.

Submissions (3):

Labcorp Genetics (formerly Invitae), Labcorp
Classification: Likely pathogenic for Hypertrophic cardiomyopathy. Last evaluated: 2025-08-21. Review status: criteria provided, single submitter. Criteria: Invitae Variant Classification Sherloc (09022015). Collection method: clinical testing. Allele origin: germline.
Comment: This sequence change replaces isoleucine, which is neutral and non-polar, with methionine, which is neutral and non-polar, at codon 263 of the MYH7 protein (p.Ile263Met). This variant is not present in population databases (gnomAD no frequency). This missense change has been observed in individual(s) with hypertrophic cardiomyopathy (PMID: 15358028). ClinVar contains an entry for this variant (Variation ID: 181326). Invitae Evidence Modeling of protein sequence and biophysical properties (such as structural, functional, and spatial information, amino acid conservation, physicochemical variation, residue mobility, and thermodynamic stability) indicates that this missense variant is expected to disrupt MYH7 protein function with a positive predictive value of 95%. This variant disrupts the p.Ile263 amino acid residue in MYH7. Other variant(s) that disrupt this residue have been determined to be pathogenic (PMID: 9829907, 24093860). This suggests that this residue is clinically significant, and that variants that disrupt this residue are likely to be disease-causing. In summary, the currently available evidence indicates that the variant is pathogenic, but additional data are needed to prove that conclusively. Therefore, this variant has been classified as Likely Pathogenic.

Color Diagnostics, LLC DBA Color Health
Classification: Uncertain significance for Cardiomyopathy. Last evaluated: 2025-07-03. Review status: criteria provided, single submitter. Criteria: ACMG Guidelines, 2015. Collection method: clinical testing. Allele origin: germline.
Comment: This missense variant replaces isoleucine with methionine at codon 263 of the MYH7 protein. This variant is found within a highly conserved region of the myosin head domain. Missense variants in this region have been shown to be significantly overrepresented in individuals with affected with hypertrophic cardiomyopathy (PMID: 27532257). Computational prediction suggests that this variant may have a deleterious impact on protein structure and function. To our knowledge, functional studies have not been reported for this variant. This variant has been reported in at least two individuals affected with hypertrophic cardiomyopathy (PMID: 15358028, 24793961, 27532257, 33495597). This variant has not been identified in the general population by the Genome Aggregation Database (gnomAD). A different variant affecting the same codon, p.Ile263Thr, is considered to be disease-causing (ClinVar variation ID: 43106), suggesting that isoleucine at this position is important for MYH7 protein function. The available evidence is insufficient to determine the role of this variant in disease conclusively. Therefore, this variant is classified as a Variant of Uncertain Significance.

Stanford Center for Inherited Cardiovascular Disease, Stanford University
Classification: Uncertain significance. Last evaluated: 2015-08-26. Review status: criteria provided, single submitter. Criteria: ACMG Guidelines, 2015. Collection method: provider interpretation. Allele origin: germline.

Literature cited by the submitters: PubMed 15358028 (cited by Labcorp Genetics (formerly Invitae), Labcorp and Color Diagnostics, LLC DBA Color Health); PubMed 9829907 (cited by Labcorp Genetics (formerly Invitae), Labcorp); PubMed 24093860 (cited by Labcorp Genetics (formerly Invitae), Labcorp); PubMed 24793961 (cited by Color Diagnostics, LLC DBA Color Health); PubMed 27532257 (cited by Color Diagnostics, LLC DBA Color Health); PubMed 33495597 (cited by Color Diagnostics, LLC DBA Color Health).